The following is an entry in ClinVar:

NM_176787.5(PIGN):c.2447A>C (p.Tyr816Ser)

Gene: PIGN (phosphatidylinositol glycan anchor biosynthesis class N; minus strand). Cytogenetic location: 18q21.33.
Variant type: single nucleotide variant.
Coding change: c.2447A>C on transcript NM_176787.5 (MANE Select); coding-DNA position 2447, A replaced by C.
Protein change: p.Tyr816Ser; replaces tyrosine 816 with serine.
Molecular consequence: missense variant.
Genome position (GRCh38, 1-based): chr18:62,084,586, T>G on the plus strand (A>C on the coding strand, the complement: PIGN is on the minus strand). VCF-style: chr18-62084586-T-G. GRCh37 (hg19) VCF-style: chr18-59751819-T-G.
Other names: c.2447A>C, p.Tyr816Ser (NM_012327.6); short protein forms Y816S.
Identifiers: ClinVar variation 571978 (VCV000571978.6), dbSNP rs200750917, ClinGen allele CA402601377.

ClinVar aggregate classification (germline): Uncertain significance (1 of 4 stars; one submission).

Conditions:
Multiple congenital anomalies-hypotonia-seizures syndrome 1 (MCAHS1). Also called: PIGN-CDG; Congenital disorder of glycosylation due to PIGN deficiency; GLYCOSYLPHOSPHATIDYLINOSITOL BIOSYNTHESIS DEFECT 3. Identifiers: Orphanet 280633, MedGen C3279775, MONDO:0013563, OMIM 614080.

gnomAD v4.1: 1 of 1,557,040 alleles (0.000064%); highest among the groups gnomAD compares: Non-Finnish European, 0.000087%; no homozygotes.

Submission:

Labcorp Genetics (formerly Invitae), Labcorp
Classification: Uncertain significance for Multiple congenital anomalies-hypotonia-seizures syndrome 1. Last evaluated: 2021-08-24. Review status: criteria provided, single submitter. Criteria: Invitae Variant Classification Sherloc (09022015). Collection method: clinical testing. Allele origin: germline.
Comment: This sequence change replaces tyrosine with serine at codon 816 of the PIGN protein (p.Tyr816Ser). The tyrosine residue is moderately conserved and there is a large physicochemical difference between tyrosine and serine. This variant is not present in population databases (ExAC no frequency). This variant has not been reported in the literature in individuals affected with PIGN-related conditions. Algorithms developed to predict the effect of missense changes on protein structure and function are either unavailable or do not agree on the potential impact of this missense change (SIFT: "Tolerated"; PolyPhen-2: "Probably Damaging"; Align-GVGD: "Class C0"). In summary, the available evidence is currently insufficient to determine the role of this variant in disease. Therefore, it has been classified as a Variant of Uncertain Significance.